The following is an entry in ClinVar:

ClinVar aggregate classification (germline): Uncertain significance (1 of 4 stars; one submission).

Conditions:
Predisposition to invasive fungal disease due to CARD9 deficiency (IMD103). Also called: CARD9 IMMUNODEFICIENCY; IMMUNODEFICIENCY 103, SUSCEPTIBILITY TO FUNGAL INFECTIONS; Candidiasis, familial, 2, autosomal recessive. Identifiers: Orphanet 457088, MedGen C1859353, MONDO:0008905, OMIM 212050.

Allele frequency attached by ClinVar (database versions not stated): ExAC 0.00002.
gnomAD v4.1: 18 of 1,613,108 alleles (0.0011%); highest among the groups gnomAD compares: Admixed American, 0.0017%; no homozygotes.

Submission:

Labcorp Genetics (formerly Invitae), Labcorp
Classification: Uncertain significance for Predisposition to invasive fungal disease due to CARD9 deficiency. Last evaluated: 2022-06-09. Review status: criteria provided, single submitter. Criteria: Invitae Variant Classification Sherloc (09022015). Collection method: clinical testing. Allele origin: germline.
Comment: This sequence change replaces glutamic acid, which is acidic and polar, with lysine, which is basic and polar, at codon 445 of the CARD9 protein (p.Glu445Lys). This variant is present in population databases (rs767361965, gnomAD 0.003%). This variant has not been reported in the literature in individuals affected with CARD9-related conditions. ClinVar contains an entry for this variant (Variation ID: 1026154). Algorithms developed to predict the effect of missense changes on protein structure and function (SIFT, PolyPhen-2, Align-GVGD) all suggest that this variant is likely to be tolerated. In summary, the available evidence is currently insufficient to determine the role of this variant in disease. Therefore, it has been classified as a Variant of Uncertain Significance.

NM_052813.5(CARD9):c.1333G>A (p.Glu445Lys)

Gene: CARD9 (caspase recruitment domain family member 9; minus strand). Cytogenetic location: 9q34.3.
Variant type: single nucleotide variant.
Coding change: c.1333G>A on transcript NM_052813.5 (MANE Select); coding-DNA position 1333, G replaced by A.
Protein change: p.Glu445Lys; replaces glutamic acid 445 with lysine.
Molecular consequence: missense variant.
Genome position (GRCh38, 1-based): chr9:136,366,824, C>T on the plus strand (G>A on the coding strand, the complement: CARD9 is on the minus strand). VCF-style: chr9-136366824-C-T. GRCh37 (hg19) VCF-style: chr9-139261276-C-T.
Other names: c.1333G>A, p.Glu445Lys (NM_052814.4); short protein forms E445K.
Identifiers: ClinVar variation 1026154 (VCV001026154.6), dbSNP rs767361965, ClinGen allele CA5332700.